The following is an entry in ClinVar:

ClinVar aggregate classification (germline): Uncertain significance (1 of 4 stars; one submission).

Conditions:
Neuroblastoma, susceptibility to, 3. Also called: ALK-Related Neuroblastic Tumor Susceptibility. Identifiers: Orphanet 635, MedGen C2751681, MONDO:0013083, OMIM 613014.

Allele frequency attached by ClinVar (database versions not stated): TOPMed below 0.00001.
gnomAD v4.1: 2 of 1,614,126 alleles (0.00012%); highest among the groups gnomAD compares: Non-Finnish European, 0.000085%; no homozygotes.

Submission:

Labcorp Genetics (formerly Invitae), Labcorp
Classification: Uncertain significance for Neuroblastoma, susceptibility to, 3. Last evaluated: 2020-06-11. Review status: criteria provided, single submitter. Criteria: Invitae Variant Classification Sherloc (09022015). Collection method: clinical testing. Allele origin: germline.
Comment: In summary, the available evidence is currently insufficient to determine the role of this variant in disease. Therefore, it has been classified as a Variant of Uncertain Significance. The current clinical and genetic evidence is not sufficient to establish whether loss-of-function variants in ALK cause disease. This variant has not been reported in the literature in individuals with ALK-related conditions. This variant is not present in population databases (ExAC no frequency). This sequence change creates a premature translational stop signal (p.Trp288*) in the ALK gene. It is expected to result in an absent or disrupted protein product.

NM_004304.5(ALK):c.863G>A (p.Trp288Ter)

Gene: ALK (ALK receptor tyrosine kinase; minus strand). Cytogenetic location: 2p23.2.
Variant type: single nucleotide variant.
Coding change: c.863G>A on transcript NM_004304.5 (MANE Select); coding-DNA position 863, G replaced by A.
Protein change: p.Trp288Ter; replaces tryptophan 288 with a stop codon.
Molecular consequence: nonsense.
Genome position (GRCh38, 1-based): chr2:29,694,939, C>T on the plus strand (G>A on the coding strand, the complement: ALK is on the minus strand). VCF-style: chr2-29694939-C-T. GRCh37 (hg19) VCF-style: chr2-29917805-C-T.
Other names: short protein forms W288*.
Identifiers: ClinVar variation 1053895 (VCV001053895.7), dbSNP rs1678509815, ClinGen allele CA346586983.